The following is an entry in ClinVar:

ClinVar aggregate classification (germline): Uncertain significance. Review status: criteria provided, multiple submitters, no conflicts (2 of 4 stars). 4 submissions from 4 submitters: Uncertain significance (4). Last evaluated 2025-09-03.

Conditions:
Endometrial carcinoma. Also called: Endometrial carcinoma, somatic. Identifiers: MedGen C0476089, MONDO:0002447, OMIM 608089, HP:0012114.
Hereditary cancer-predisposing syndrome. Also called: Hereditary Cancer Syndrome; Tumor predisposition; Hereditary neoplastic syndrome; Neoplastic Syndromes, Hereditary. Identifiers: Orphanet 140162, MedGen C0027672, MeSH D009386, MONDO:0015356.

Allele frequency attached by ClinVar (database versions not stated): gnomAD exomes below 0.00001.
gnomAD v4.1: 1 of 1,613,634 alleles (0.000062%); highest among the groups gnomAD compares: Non-Finnish European, 0.000085%; no homozygotes.

Submissions (4):

Labcorp Genetics (formerly Invitae), Labcorp
Classification: Uncertain significance. Last evaluated: 2025-09-03. Review status: criteria provided, single submitter. Criteria: Invitae Variant Classification Sherloc (09022015). Collection method: clinical testing. Allele origin: germline.
Comment: This sequence change replaces isoleucine, which is neutral and non-polar, with valine, which is neutral and non-polar, at codon 655 of the MSH3 protein (p.Ile655Val). This variant is not present in population databases (gnomAD no frequency). This variant has not been reported in the literature in individuals affected with MSH3-related conditions. ClinVar contains an entry for this variant (Variation ID: 2186252). An algorithm developed to predict the effect of missense changes on protein structure and function (PolyPhen-2) suggests that this variant is likely to be tolerated. In summary, the available evidence is currently insufficient to determine the role of this variant in disease. Therefore, it has been classified as a Variant of Uncertain Significance.

Ambry Genetics
Classification: Uncertain significance for Hereditary cancer-predisposing syndrome. Last evaluated: 2024-07-10. Review status: criteria provided, single submitter. Criteria: Ambry Variant Classification Scheme 2023. Collection method: clinical testing. Allele origin: germline.
Comment: The p.I655V variant (also known as c.1963A>G), located in coding exon 14 of the MSH3 gene, results from an A to G substitution at nucleotide position 1963. The isoleucine at codon 655 is replaced by valine, an amino acid with highly similar properties. This amino acid position is poorly conserved in available vertebrate species. In addition, this alteration is predicted to be tolerated by in silico analysis. Based on the available evidence, the clinical significance of this variant remains unclear.

ARUP Laboratories, Molecular Genetics and Genomics, ARUP Laboratories
Classification: Uncertain significance. Last evaluated: 2023-08-23. Review status: criteria provided, single submitter. Criteria: ARUP Molecular Germline Variant Investigation Process 2024. Collection method: clinical testing. Allele origin: germline.
Comment: The MSH3 c.1963A>G; p.Ile655Val variant, to our knowledge, is not reported in the medical literature but is reported in ClinVar (Variation ID: 2186252). This variant is absent from the Genome Aggregation Database, indicating it is not a common polymorphism. Computational analyses are uncertain whether this variant is neutral or deleterious (REVEL: 0.289). Due to limited information, the clinical significance of this variant is uncertain at this time.

Baylor Genetics
Classification: Uncertain significance for Endometrial carcinoma. Last evaluated: 2023-05-16. Review status: criteria provided, single submitter. Criteria: ACMG Guidelines, 2015. Collection method: clinical testing. Allele origin: unknown.

NM_002439.5(MSH3):c.1963A>G (p.Ile655Val)

Gene: MSH3 (mutS homolog 3; plus strand). Cytogenetic location: 5q14.1.
Variant type: single nucleotide variant.
Coding change: c.1963A>G on transcript NM_002439.5 (MANE Select); coding-DNA position 1963, A replaced by G.
Protein change: p.Ile655Val; replaces isoleucine 655 with valine.
Molecular consequence: missense variant.
Genome position (GRCh38, 1-based): chr5:80,767,999, A>G. VCF-style: chr5-80767999-A-G. GRCh37 (hg19) VCF-style: chr5-80063818-A-G.
Other names: c.1963A>G (NM_002439.3); short protein forms I655V.
Identifiers: ClinVar variation 2186252 (VCV002186252.6), dbSNP rs2546773602, ClinGen allele CA360277578.